The following is an entry in ClinVar:

ClinVar aggregate classification (germline): Uncertain significance (1 of 4 stars; one submission).

Allele frequency attached by ClinVar (database versions not stated): gnomAD exomes 0.00001; ExAC 0.00002.
gnomAD v4.1: 5 of 1,614,200 alleles (0.00031%); highest among the groups gnomAD compares: Middle Eastern, 0.016%; 1 homozygote.

Submission:

Labcorp Genetics (formerly Invitae), Labcorp
Classification: Uncertain significance. Last evaluated: 2022-09-16. Review status: criteria provided, single submitter. Criteria: Invitae Variant Classification Sherloc (09022015). Collection method: clinical testing. Allele origin: germline.
Comment: In summary, the available evidence is currently insufficient to determine the role of this variant in disease. Therefore, it has been classified as a Variant of Uncertain Significance. Algorithms developed to predict the effect of missense changes on protein structure and function are either unavailable or do not agree on the potential impact of this missense change (SIFT: "Tolerated"; PolyPhen-2: "Possibly Damaging"; Align-GVGD: "Class C0"). This variant has not been reported in the literature in individuals affected with TRPM6-related conditions. This variant is present in population databases (rs747082812, gnomAD 0.01%), including at least one homozygous and/or hemizygous individual. This sequence change replaces aspartic acid, which is acidic and polar, with histidine, which is basic and polar, at codon 1418 of the TRPM6 protein (p.Asp1418His).

NM_017662.5(TRPM6):c.4252G>C (p.Asp1418His)

Gene: TRPM6 (transient receptor potential cation channel subfamily M member 6; minus strand). Cytogenetic location: 9q21.13.
Variant type: single nucleotide variant.
Coding change: c.4252G>C on transcript NM_017662.5 (MANE Select); coding-DNA position 4252, G replaced by C.
Protein change: p.Asp1418His; replaces aspartic acid 1418 with histidine.
Molecular consequence: missense variant.
Genome position (GRCh38, 1-based): chr9:74,762,419, C>G on the plus strand (G>C on the coding strand, the complement: TRPM6 is on the minus strand). VCF-style: chr9-74762419-C-G. GRCh37 (hg19) VCF-style: chr9-77377335-C-G.
Other names: c.4237G>C, p.Asp1413His (NM_001177310.2, NM_001177311.2); short protein forms D1413H, D1418H.
Identifiers: ClinVar variation 1945002 (VCV001945002.5), dbSNP rs747082812, ClinGen allele CA5084132.